The following is an entry in ClinVar:

NM_002635.4(SLC25A3):c.279+292A>T

Gene: SLC25A3 (solute carrier family 25 member 3; plus strand). Cytogenetic location: 12q23.1.
Variant type: single nucleotide variant.
Coding change: c.279+292A>T on transcript NM_002635.4 (MANE Select); 292 bases into the intron after coding-DNA position 279, A replaced by T.
Molecular consequence: intron variant.
Genome position (GRCh38, 1-based): chr12:98,596,140, A>T. VCF-style: chr12-98596140-A-T. GRCh37 (hg19) VCF-style: chr12-98989918-A-T.
Other names: c.279+292A>T (NM_213611.3); c.282+583A>T (NM_005888.4).
Identifiers: ClinVar variation 683821 (VCV000683821.1), dbSNP rs79625667, ClinGen allele CA242236182.

ClinVar aggregate classification (germline): Likely benign (1 of 4 stars; one submission).

Allele frequency attached by ClinVar (database versions not stated): gnomAD 0.03982 and 0.04357; TOPMed 0.04044; 1000 Genomes Project 30x 0.06855; 1000 Genomes Project 0.07388.
gnomAD v4.1: 6,609 of 152,292 alleles (4.3%); highest among the groups gnomAD compares: East Asian, 21%; 235 homozygotes.

Submission:

GeneDx
Classification: Likely benign. Last evaluated: 2018-06-16. Review status: criteria provided, single submitter. Criteria: GeneDx Variant Classification (06012015). Collection method: clinical testing. Allele origin: germline. Affected: yes.
Comment: This variant is considered likely benign or benign based on one or more of the following criteria: it is a conservative change, it occurs at a poorly conserved position in the protein, it is predicted to be benign by multiple in silico algorithms, and/or has population frequency not consistent with disease.